The following is an entry in ClinVar:

ClinVar aggregate classification (germline): Uncertain significance. Review status: criteria provided, multiple submitters, no conflicts (2 of 4 stars). 3 submissions from 3 submitters: Uncertain significance (2). 1 of the submissions does not count toward it. Last evaluated 2025-12-28.

Conditions:
Hereditary cancer-predisposing syndrome. Also called: Hereditary Cancer Syndrome; Hereditary neoplastic syndrome; Neoplastic Syndromes, Hereditary; Tumor predisposition. Identifiers: Orphanet 140162, MedGen C0027672, MeSH D009386, MONDO:0015356.
Bloom syndrome (BLM). Also called: Bloom-Torre-Machacek syndrome. Identifiers: Orphanet 125, MedGen C0005859, MONDO:0008876, OMIM 210900.

Allele frequency attached by ClinVar (database versions not stated): gnomAD exomes 0.00001; ExAC 0.00002.
gnomAD v4.1: 8 of 1,614,164 alleles (0.0005%); highest among the groups gnomAD compares: Non-Finnish European, 0.00042%; no homozygotes.

Submissions (3):

Labcorp Genetics (formerly Invitae), Labcorp
Classification: Uncertain significance for Bloom syndrome. Last evaluated: 2025-12-28. Review status: criteria provided, single submitter. Criteria: Invitae Variant Classification Sherloc (09022015). Collection method: clinical testing. Allele origin: germline.
Comment: This sequence change replaces glutamine, which is neutral and polar, with proline, which is neutral and non-polar, at codon 224 of the BLM protein (p.Gln224Pro). This variant is present in population databases (rs770111029, gnomAD 0.002%). This variant has not been reported in the literature in individuals affected with BLM-related conditions. ClinVar contains an entry for this variant (Variation ID: 405285). An algorithm developed to predict the effect of missense changes on protein structure and function (PolyPhen-2) suggests that this variant is likely to be tolerated. In summary, the available evidence is currently insufficient to determine the role of this variant in disease. Therefore, it has been classified as a Variant of Uncertain Significance.

Ambry Genetics
Classification: Uncertain significance for Hereditary cancer-predisposing syndrome. Last evaluated: 2023-10-20. Review status: criteria provided, single submitter. Criteria: Ambry Variant Classification Scheme 2023. Collection method: clinical testing. Allele origin: germline.
Comment: The p.Q224P variant (also known as c.671A>C), located in coding exon 2 of the BLM gene, results from an A to C substitution at nucleotide position 671. The glutamine at codon 224 is replaced by proline, an amino acid with similar properties. This amino acid position is conserved. In addition, this alteration is predicted to be tolerated by in silico analysis. Since supporting evidence is limited at this time, the clinical significance of this alteration remains unclear.

Natera, Inc.
Classification: Uncertain significance for Bloom syndrome. Last evaluated: 2020-12-09. Review status: no assertion criteria provided. Collection method: clinical testing. Allele origin: germline. Not counted in ClinVar's aggregate classification.

NM_000057.4(BLM):c.671A>C (p.Gln224Pro)

Gene: BLM (BLM RecQ like helicase; plus strand). Cytogenetic location: 15q26.1.
Variant type: single nucleotide variant.
Coding change: c.671A>C on transcript NM_000057.4 (MANE Select); coding-DNA position 671, A replaced by C.
Protein change: p.Gln224Pro; replaces glutamine 224 with proline.
Molecular consequence: missense variant. On other transcripts: 5 prime UTR variant (1).
Genome position (GRCh38, 1-based): chr15:90,749,939, A>C. VCF-style: chr15-90749939-A-C. GRCh37 (hg19) VCF-style: chr15-91293169-A-C.
Other names: c.671A>C, p.Gln224Pro (NM_001287246.2, NM_001287247.2); c.-621A>C (NM_001287248.2); c.671A>C (NM_000057.2); short protein forms Q224P.
Identifiers: ClinVar variation 405285 (VCV000405285.16), dbSNP rs770111029, ClinGen allele CA7738327.
Genomic context (GRCh38, chr15:90,749,939, plus strand): 5'-TAAAGACTGATTTGCCTCCACCCTCCTCTGAAAGCGAGCAAATAGATTTGACTGAGGAAC[A>C]GAAGGATGACTCAGAATGGTTAAGCAGCGATGTGATTTGCATCGATGATGGCCCCATTGC-3'
Protein context (NP_000048.1, residues 214-234): ESEQIDLTEE[Gln224Pro]KDDSEWLSSD